The following is an entry in ClinVar:

NM_020964.3(EPG5):c.4629_4630del (p.Leu1544fs)

Gene: EPG5 (ectopic P-granules 5 autophagy tethering factor; minus strand). Cytogenetic location: 18q21.1.
Variant type: Deletion.
Coding change: c.4629_4630del on transcript NM_020964.3 (MANE Select); coding-DNA positions 4629 to 4630, 2 bases deleted (GT; older notation c.4629_4630delGT).
Protein change: p.Leu1544fs; shifts the reading frame from leucine 1544.
Molecular consequence: frameshift variant.
Genome position (GRCh38, 1-based): chr18:45,901,012-45,901,013, AC deleted on the plus strand (GT on the coding strand, the reverse complement: EPG5 is on the minus strand); deleting any 2 consecutive bases within chr18:45,901,012-45,901,014 gives the same sequence; the c. name uses the placement nearest the transcript's 3' end. VCF-style (leftmost placement, unchanged base first): chr18-45901011-AAC-A. GRCh37 (hg19) VCF-style: chr18-43480976-AAC-A.
Other names: c.4629_4630del, p.Leu1544fs (NM_001410858.1, NM_001410859.1); short protein forms L1544fs.
Identifiers: ClinVar variation 3686600 (VCV003686600.2).

ClinVar aggregate classification (germline): Pathogenic (1 of 4 stars; one submission).

Conditions:
Vici syndrome (VICIS). Identifiers: Orphanet 1493, MedGen C1855772, MONDO:0009452, OMIM 242840.

Submission:

Labcorp Genetics (formerly Invitae), Labcorp
Classification: Pathogenic for Vici syndrome. Last evaluated: 2024-02-24. Review status: criteria provided, single submitter. Criteria: Invitae Variant Classification Sherloc (09022015). Collection method: clinical testing. Allele origin: germline.
Comment: This sequence change creates a premature translational stop signal (p.Leu1544Alafs*20) in the EPG5 gene. It is expected to result in an absent or disrupted protein product. Loss-of-function variants in EPG5 are known to be pathogenic (PMID: 23222957, 23674064). This variant is not present in population databases (gnomAD no frequency). This variant has not been reported in the literature in individuals affected with EPG5-related conditions. For these reasons, this variant has been classified as Pathogenic.

Literature cited by the submitters: PubMed 23222957; PubMed 23674064.